The following is an entry in ClinVar:

ClinVar aggregate classification (germline): Uncertain significance. Review status: criteria provided, multiple submitters, no conflicts (2 of 4 stars). 2 submissions from 2 submitters: Uncertain significance (2). Last evaluated 2026-09-11.

Conditions:
Inborn genetic diseases. Identifiers: MedGen C0950123, MeSH D030342.
Familial myelofibrosis. Identifiers: MedGen C2931351, MONDO:0023119.

Allele frequency attached by ClinVar (database versions not stated): gnomAD exomes below 0.00001; TOPMed below 0.00001.
gnomAD v4.1: 1 of 1,577,130 alleles (0.000063%); highest among the groups gnomAD compares: Non-Finnish European, 0.000085%; no homozygotes.

Submissions (2):

Ambry Genetics
Classification: Uncertain significance for Inborn genetic diseases. Last evaluated: 2026-09-11. Review status: criteria provided, single submitter. Criteria: Ambry Variant Classification Scheme 2023. Collection method: clinical testing. Allele origin: germline.
Comment: The p.C30Y variant (also known as c.89G>A), located in coding exon 1 of the SH2B3 gene, results from a G to A substitution at nucleotide position 89. The cysteine at codon 30 is replaced by tyrosine, an amino acid with highly dissimilar properties. This amino acid position is conserved. In addition, this alteration is predicted to be deleterious by in silico analysis. Based on the available evidence, the clinical significance of this variant remains unclear.

Kasturba Medical College, Manipal, Kasturba Medical College, Manipal, Manipal Academy of Higher Education, Manipal, India
Classification: Uncertain significance for Familial myelofibrosis. Review status: criteria provided, single submitter. Criteria: ACMG Guidelines, 2015. Collection method: clinical testing. Allele origin: biparental. Inheritance: Autosomal recessive inheritance. Affected: yes. Observed: 1 homozygote.

NM_005475.3(SH2B3):c.89G>A (p.Cys30Tyr)

Gene: SH2B3 (SH2B adaptor protein 3; plus strand). Cytogenetic location: 12q24.12.
Variant type: single nucleotide variant.
Coding change: c.89G>A on transcript NM_005475.3 (MANE Select); coding-DNA position 89, G replaced by A.
Protein change: p.Cys30Tyr; replaces cysteine 30 with tyrosine.
Molecular consequence: missense variant.
Genome position (GRCh38, 1-based): chr12:111,418,234, G>A. VCF-style: chr12-111418234-G-A. GRCh37 (hg19) VCF-style: chr12-111856038-G-A.
Other names: short protein forms C30Y.
Identifiers: ClinVar variation 2428765 (VCV002428765.5), dbSNP rs1871229237, ClinGen allele CA386717841.